The following is an entry in ClinVar:

ClinVar aggregate classification (germline): Benign (1 of 4 stars; one submission).

Allele frequency attached by ClinVar (database versions not stated): gnomAD 0.50392; TOPMed 0.52411; 1000 Genomes Project 30x 0.49672; 1000 Genomes Project 0.49521.

Submission:

GeneDx
Classification: Benign. Last evaluated: 2018-06-18. Review status: criteria provided, single submitter. Criteria: GeneDx Variant Classification (06012015). Collection method: clinical testing. Allele origin: germline. Affected: yes.
Comment: This variant is considered likely benign or benign based on one or more of the following criteria: it is a conservative change, it occurs at a poorly conserved position in the protein, it is predicted to be benign by multiple in silico algorithms, and/or has population frequency not consistent with disease.

NM_000093.5(COL5A1):c.4955-259C>A

Genes: COL5A1 (collagen type V alpha 1 chain; plus strand), LOC101448202 (uncharacterized LOC101448202; minus strand). Cytogenetic location: 9q34.3.
Variant type: single nucleotide variant.
Coding change: c.4955-259C>A on transcript NM_000093.5 (MANE Select); 259 bases into the intron before coding-DNA position 4955, C replaced by A.
Molecular consequence: intron variant.
Genome position (GRCh38, 1-based): chr9:134,825,533, C>A. VCF-style: chr9-134825533-C-A. GRCh37 (hg19) VCF-style: chr9-137717379-C-A.
Other names: c.4955-259C>A (NM_001278074.1).
Identifiers: ClinVar variation 683409 (VCV000683409.1), dbSNP rs9409996, ClinGen allele CA12975207.
Genomic context (GRCh38, chr9:134,825,533, plus strand): 5'-AGTTCCTTCCAGAACCCTCTCTGCATTTCTGTCCACCCAGAGAGTAGGCCGGACCCCAAC[C>A]CTCCTGGCCACCAGAACACGTACCCAGTTGCTTCATGCACCAGCTGTGTTCTTGGTGAAT-3'